The following is an entry in ClinVar:

NM_024996.7(GFM1):c.1764+11A>T

Gene: GFM1 (G elongation factor mitochondrial 1; plus strand). Cytogenetic location: 3q25.32.
Variant type: single nucleotide variant.
Coding change: c.1764+11A>T on transcript NM_024996.7 (MANE Select); 11 bases into the intron after coding-DNA position 1764, A replaced by T.
Molecular consequence: intron variant. On other transcripts: stop lost (1).
Genome position (GRCh38, 1-based): chr3:158,682,168, A>T. VCF-style: chr3-158682168-A-T. GRCh37 (hg19) VCF-style: chr3-158399957-A-T.
Other names: *592L; c.1775A>T, p.Ter592Leu (NM_001308166.2); c.1821+11A>T (NM_001308164.2); c.1539+11A>T (NM_001374357.1); c.1683+11A>T (NM_001374355.1); c.1647+11A>T (NM_001374356.1); c.1197+11A>T (NM_001374359.1, NM_001374360.1); c.1080+11A>T (NM_001374361.1); and 2 more.
Identifiers: ClinVar variation 377922 (VCV000377922.23), dbSNP rs199739357, ClinGen allele CA2682978.

ClinVar aggregate classification (germline): Benign/Likely benign. Review status: criteria provided, multiple submitters, no conflicts (2 of 4 stars). 6 submissions from 6 submitters: Benign (1); Likely benign (4). 1 of the submissions does not count toward it. Last evaluated 2026-05-01.

Conditions:
GFM1-related disorder. Also called: GFM1-related condition.

Allele frequency attached by ClinVar (database versions not stated): gnomAD exomes 0.00029 and 0.00070; ExAC 0.00123; ESP Exome Variant Server 0.00138; gnomAD 0.00248 and 0.00265; TOPMed 0.00269; 1000 Genomes Project 0.00280; 1000 Genomes Project 30x 0.00297.
gnomAD v4.1: 813 of 1,608,726 alleles (0.051%); highest among the groups gnomAD compares: African/African-American, 0.88%; 2 homozygotes.

Submissions (6):

CeGaT Center for Human Genetics Tuebingen
Classification: Likely benign. Last evaluated: 2026-05-01. Review status: criteria provided, single submitter. Criteria: CeGaT Center For Human Genetics Tuebingen Variant Classification Criteria Version 2. Collection method: clinical testing. Allele origin: germline. Affected: yes. Observed: 2 variant alleles.
Comment: GFM1: BP4, BS2

Labcorp Genetics (formerly Invitae), Labcorp
Classification: Benign. Last evaluated: 2026-01-28. Review status: criteria provided, single submitter. Criteria: Invitae Variant Classification Sherloc (09022015). Collection method: clinical testing. Allele origin: germline.

Blueprint Genetics
Classification: Likely benign. Last evaluated: 2024-09-16. Review status: criteria provided, single submitter. Criteria: ACMG Guidelines, 2015. Collection method: clinical testing. Allele origin: germline.

GeneDx
Classification: Likely benign. Last evaluated: 2017-09-11. Review status: criteria provided, single submitter. Criteria: GeneDx Variant Classification (06012015). Collection method: clinical testing. Allele origin: germline. Affected: yes.
Comment: This variant is considered likely benign or benign based on one or more of the following criteria: it is a conservative change, it occurs at a poorly conserved position in the protein, it is predicted to be benign by multiple in silico algorithms, and/or has population frequency not consistent with disease.

Breakthrough Genomics
Classification: Likely benign. Review status: criteria provided, single submitter. Criteria: ACMG Guidelines, 2015. Collection method: not provided. Allele origin: germline. Inheritance: Autosomal recessive inheritance. Affected: yes.

PreventionGenetics, part of Exact Sciences
Classification: Likely benign for GFM1-related condition. Last evaluated: 2019-10-02. Review status: no assertion criteria provided. Collection method: clinical testing. Allele origin: germline. Not counted in ClinVar's aggregate classification.
Comment: This variant is classified as likely benign based on ACMG/AMP sequence variant interpretation guidelines (Richards et al. 2015 PMID: 25741868, with internal and published modifications).